The following is an entry in ClinVar:

ClinVar aggregate classification (germline): Uncertain significance. Review status: criteria provided, multiple submitters, no conflicts (2 of 4 stars). 3 submissions from 3 submitters: Uncertain significance (3). Last evaluated 2024-12-12.

Conditions:
PURA-related disorder. Also called: PURA-related condition.
PURA-related severe neonatal hypotonia-seizures-encephalopathy syndrome (NEDRIHF). Also called: PURA-Related Neurodevelopmental Disorders; NEURODEVELOPMENTAL DISORDER WITH NEONATAL RESPIRATORY INSUFFICIENCY, HYPOTONIA, AND FEEDING DIFFICULTIES. Identifiers: Orphanet 438213, Orphanet 438216, MedGen C4015357, MONDO:1060108, OMIM 616158, MONDO:0018580.

Allele frequency attached by ClinVar (database versions not stated): gnomAD exomes below 0.00001.
gnomAD v4.1: 2 of 1,605,898 alleles (0.00012%); highest among the groups gnomAD compares: Non-Finnish European, 0.00017%; no homozygotes.

Submissions (3):

PreventionGenetics, part of Exact Sciences
Classification: Uncertain significance for PURA-related condition. Last evaluated: 2024-12-12. Review status: criteria provided, single submitter. Criteria: ACMG Guidelines, 2015. Collection method: clinical testing. Allele origin: germline.
Comment: The PURA c.419G>C variant is predicted to result in the amino acid substitution p.Arg140Pro. This variant has been reported in one individual with infantile hypotonia, autism, epilepsy, and ataxia, who was described as having a milder phenotype (Lee et al. 2018. PubMed ID: 29150892). This variant has not been reported in a large population database (gnomAD), indicating this variant is rare. At this time, the clinical significance of this variant is uncertain due to the absence of conclusive functional and genetic evidence.

Labcorp Genetics (formerly Invitae), Labcorp
Classification: Uncertain significance for PURA-related severe neonatal hypotonia-seizures-encephalopathy syndrome. Last evaluated: 2022-08-16. Review status: criteria provided, single submitter. Criteria: Invitae Variant Classification Sherloc (09022015). Collection method: clinical testing. Allele origin: germline.
Comment: Algorithms developed to predict the effect of missense changes on protein structure and function are either unavailable or do not agree on the potential impact of this missense change (SIFT: "Tolerated"; PolyPhen-2: "Probably Damaging"; Align-GVGD: "Class C0"). In summary, the available evidence is currently insufficient to determine the role of this variant in disease. Therefore, it has been classified as a Variant of Uncertain Significance. ClinVar contains an entry for this variant (Variation ID: 192343). This missense change has been observed in individual(s) with clinical features of PURA-related conditions (PMID: 29150892). This variant is not present in population databases (gnomAD no frequency). This sequence change replaces arginine, which is basic and polar, with proline, which is neutral and non-polar, at codon 140 of the PURA protein (p.Arg140Pro).

GeneDx
Classification: Uncertain significance. Last evaluated: 2018-07-11. Review status: criteria provided, single submitter. Criteria: GeneDx Variant Classification (06012015). Collection method: clinical testing. Allele origin: germline. Affected: yes.
Comment: The R140P variant in the PURA gene has been reported previously in an individual with PURA-related disorder, however parental segregation was not performed (Lee et al., 2017). The R140P variant is not observed in large population cohorts (Lek et al., 2016). The R140P variant is a non-conservative amino acid substitution, which is likely to impact secondary protein structure as these residues differ in polarity, charge, size and/or other properties. In-silico analyses, including protein predictors and evolutionary conservation, support that this variant does not alter protein structure/function. We interpret R140P as a variant of uncertain significance.

Literature cited by the submitters: PubMed 29150892 (cited by Labcorp Genetics (formerly Invitae), Labcorp).

NM_005859.5(PURA):c.419G>C (p.Arg140Pro)

Genes: PURA (purine rich element binding protein A; plus strand), LOC129994826 (ATAC-STARR-seq lymphoblastoid active region 23260; plus strand). Cytogenetic location: 5q31.3.
Variant type: single nucleotide variant.
Coding change: c.419G>C on transcript NM_005859.5 (MANE Select); coding-DNA position 419, G replaced by C.
Protein change: p.Arg140Pro; replaces arginine 140 with proline.
Molecular consequence: missense variant.
Genome position (GRCh38, 1-based): chr5:140,114,600, G>C. VCF-style: chr5-140114600-G-C. GRCh37 (hg19) VCF-style: chr5-139494185-G-C.
Other names: p.R140P:CGC>CCC; short protein forms R140P.
Identifiers: ClinVar variation 192343 (VCV000192343.9), dbSNP rs793888536, ClinGen allele CA302662.